The following is an entry in ClinVar:

NM_000081.4(LYST):c.4670A>G (p.Asn1557Ser)

Gene: LYST (lysosomal trafficking regulator; minus strand). Cytogenetic location: 1q42.3.
Variant type: single nucleotide variant.
Coding change: c.4670A>G on transcript NM_000081.4 (MANE Select); coding-DNA position 4670, A replaced by G.
Protein change: p.Asn1557Ser; replaces asparagine 1557 with serine.
Molecular consequence: missense variant.
Genome position (GRCh38, 1-based): chr1:235,788,719, T>C on the plus strand (A>G on the coding strand, the complement: LYST is on the minus strand). VCF-style: chr1-235788719-T-C. GRCh37 (hg19) VCF-style: chr1-235952019-T-C.
Other names: c.4670A>G, p.Asn1557Ser (NM_001301365.1); short protein forms N1557S.
Identifiers: ClinVar variation 525163 (VCV000525163.9), dbSNP rs1005070627, ClinGen allele CA39626678.

ClinVar aggregate classification (germline): Uncertain significance. Review status: criteria provided, multiple submitters, no conflicts (2 of 4 stars). 3 submissions from 3 submitters: Uncertain significance (3). Last evaluated 2022-10-24.

Conditions:
Chédiak-Higashi syndrome (CHS). Also called: Chediak-Higashi Syndrome. Identifiers: Orphanet 167, MedGen C0007965, MONDO:0008963, OMIM 214500.
LYST-related disorder. Also called: LYST-related condition.

Allele frequency attached by ClinVar (database versions not stated): gnomAD exomes 0.00001; TOPMed 0.00002.
gnomAD v4.1: 16 of 1,613,808 alleles (0.00099%); highest among the groups gnomAD compares: Middle Eastern, 0.016%; no homozygotes.

Submissions (3):

PreventionGenetics, part of Exact Sciences
Classification: Uncertain significance for LYST-related condition. Last evaluated: 2022-10-24. Review status: criteria provided, single submitter. Criteria: ACMG Guidelines, 2015. Collection method: clinical testing. Allele origin: germline.
Comment: The LYST c.4670A>G variant is predicted to result in the amino acid substitution p.Asn1557Ser. To our knowledge, this variant has not been reported in the literature. This variant is reported in 0.0087% of alleles in individuals of Latino descent in gnomAD. At this time, the clinical significance of this variant is uncertain due to the absence of conclusive functional and genetic evidence.

Labcorp Genetics (formerly Invitae), Labcorp
Classification: Uncertain significance for Chédiak-Higashi syndrome. Last evaluated: 2022-08-23. Review status: criteria provided, single submitter. Criteria: Invitae Variant Classification Sherloc (09022015). Collection method: clinical testing. Allele origin: germline.
Comment: This sequence change replaces asparagine, which is neutral and polar, with serine, which is neutral and polar, at codon 1557 of the LYST protein (p.Asn1557Ser). This variant is present in population databases (no rsID available, gnomAD 0.009%). This variant has not been reported in the literature in individuals affected with LYST-related conditions. ClinVar contains an entry for this variant (Variation ID: 525163). Algorithms developed to predict the effect of missense changes on protein structure and function output the following: SIFT: "Tolerated"; PolyPhen-2: "Benign"; Align-GVGD: "Class C0". The serine amino acid residue is found in multiple mammalian species, which suggests that this missense change does not adversely affect protein function. Algorithms developed to predict the effect of sequence changes on RNA splicing suggest that this variant may create or strengthen a splice site. In summary, the available evidence is currently insufficient to determine the role of this variant in disease. Therefore, it has been classified as a Variant of Uncertain Significance.

Breakthrough Genomics
Classification: Uncertain significance. Review status: criteria provided, single submitter. Criteria: ACMG Guidelines, 2015. Collection method: not provided. Allele origin: germline. Inheritance: Autosomal recessive inheritance. Affected: yes.